The following is an entry in ClinVar:

ClinVar aggregate classification (germline): Conflicting classifications of pathogenicity. Review status: criteria provided, conflicting classifications (1 of 4 stars). 3 submissions from 3 submitters: Uncertain significance (2); Benign (1). Last evaluated 2025-12-10.

Conditions:
Primary ciliary dyskinesia. Also called: Ciliary dyskinesia. Identifiers: Orphanet 244, MedGen C0008780, MONDO:0016575, HP:0012265.

Allele frequency attached by ClinVar (database versions not stated): gnomAD 0.00001; ExAC 0.00002; TOPMed 0.00003; gnomAD exomes 0.00006; ESP Exome Variant Server 0.00008.
gnomAD v4.1: 84 of 1,613,718 alleles (0.0052%); highest among the groups gnomAD compares: Non-Finnish European, 0.007%; no homozygotes.

Submissions (3):

Labcorp Genetics (formerly Invitae), Labcorp
Classification: Benign for Primary ciliary dyskinesia. Last evaluated: 2025-12-10. Review status: criteria provided, single submitter. Criteria: Invitae Variant Classification Sherloc (09022015). Collection method: clinical testing. Allele origin: germline.

Blueprint Genetics
Classification: Uncertain significance. Last evaluated: 2023-07-25. Review status: criteria provided, single submitter. Criteria: ACMG Guidelines, 2015. Collection method: clinical testing. Allele origin: germline.

Ambry Genetics
Classification: Uncertain significance for Primary ciliary dyskinesia. Last evaluated: 2018-01-19. Review status: criteria provided, single submitter. Criteria: Ambry Variant Classification Scheme 2023. Collection method: clinical testing. Allele origin: germline.
Comment: The p.V1376D variant (also known as c.4127T>A), located in coding exon 23 of the DNAH11 gene, results from a T to A substitution at nucleotide position 4127. The valine at codon 1376 is replaced by aspartic acid, an amino acid with highly dissimilar properties. This amino acid position is poorly conserved in available vertebrate species. In addition, this alteration is predicted to be tolerated by in silico analysis. Since supporting evidence is limited at this time, the clinical significance of this alteration remains unclear.

NM_001277115.2(DNAH11):c.4127T>A (p.Val1376Asp)

Gene: DNAH11 (dynein axonemal heavy chain 11; plus strand). Cytogenetic location: 7p15.3.
Variant type: single nucleotide variant.
Coding change: c.4127T>A on transcript NM_001277115.2 (MANE Select); coding-DNA position 4127, T replaced by A.
Protein change: p.Val1376Asp; replaces valine 1376 with aspartic acid.
Molecular consequence: missense variant.
Genome position (GRCh38, 1-based): chr7:21,617,650, T>A. VCF-style: chr7-21617650-T-A. GRCh37 (hg19) VCF-style: chr7-21657268-T-A.
Other names: c.4142T>A, p.Val1381Asp (NM_003777.3); short protein forms V1381D, V1376D.
Identifiers: ClinVar variation 1738052 (VCV001738052.6), dbSNP rs373292392, ClinGen allele CA4179912.